The following is an entry in ClinVar:

NM_020975.6(RET):c.3206G>C (p.Trp1069Ser)

Gene: RET (ret proto-oncogene; plus strand). Cytogenetic location: 10q11.21.
Variant type: single nucleotide variant.
Coding change: c.3206G>C on transcript NM_020975.6 (MANE Select); coding-DNA position 3206, G replaced by C.
Protein change: p.Trp1069Ser; replaces tryptophan 1069 with serine.
Molecular consequence: missense variant.
Genome position (GRCh38, 1-based): chr10:43,128,130, G>C. VCF-style: chr10-43128130-G-C. GRCh37 (hg19) VCF-style: chr10-43623578-G-C.
Other names: c.3206G>C (LRG_518t1); short protein forms W1069S.
Identifiers: ClinVar variation 220521 (VCV000220521.25), dbSNP rs776615468, ClinGen allele CA054795.

ClinVar aggregate classification (germline): Uncertain significance. Review status: criteria provided, multiple submitters, no conflicts (2 of 4 stars). 12 submissions from 11 submitters: Uncertain significance (10). 2 of the submissions do not count toward it. Last evaluated 2026-08-24.

Conditions:
Pheochromocytoma. Also called: MAX-Related Hereditary Paraganglioma-Pheochromocytoma Syndrome. Identifiers: Orphanet 29072, MedGen C0031511, MONDO:0008233, OMIM 171300, HP:0002666.
Hirschsprung disease, susceptibility to, 1 (HSCR1). Also called: RET-Related Hirschsprung Disease. Identifiers: Orphanet 388, MedGen C3888239, MONDO:0007723, OMIM 142623.
Familial medullary thyroid carcinoma (MTC). Also called: Thyroid cancer, familial medullary; MTC, familial; Familial Medullary Thyroid Carcinoma (FMTC). Identifiers: Orphanet 653, Orphanet 99361, MedGen C1833921, MONDO:0007958, OMIM 155240.
Multiple endocrine neoplasia type 2B. Also called: WAGENMANN-FROBOESE SYNDROME; MULTIPLE ENDOCRINE NEOPLASIA, TYPE III; MEN 2B; MUCOSAL NEUROMA SYNDROME; MULTIPLE ENDOCRINE NEOPLASIA, TYPE IIB; MEN IIB. Identifiers: Orphanet 247709, Orphanet 653, MedGen C0025269, MeSH D018814, MONDO:0008082, OMIM 162300.
Multiple endocrine neoplasia type 2A. Also called: MULTIPLE ENDOCRINE NEOPLASIA, TYPE IIA; PTC SYNDROME; SIPPLE SYNDROME; MEN 2A; MEN-2A syndrome; Pheochromocytoma and amyloid producing medullary thyroid carcinoma. Identifiers: Orphanet 247698, Orphanet 653, MedGen C0025268, MeSH D018813, MONDO:0008234, OMIM 171400.
RET-related disorder. Also called: RET-related disorders; RET-related condition; RET-related disease.
Hereditary cancer-predisposing syndrome. Also called: Tumor predisposition; Hereditary neoplastic syndrome; Neoplastic Syndromes, Hereditary; Hereditary Cancer Syndrome. Identifiers: Orphanet 140162, MedGen C0027672, MeSH D009386, MONDO:0015356.
Multiple endocrine neoplasia, type 2 (MEN2). Identifiers: Orphanet 653, MedGen C4048306, MONDO:0019003. Disease mechanism: gain of function.

Allele frequency attached by ClinVar (database versions not stated): gnomAD exomes 0.00001; ExAC 0.00002.
gnomAD v4.1: 16 of 1,614,198 alleles (0.00099%); highest among the groups gnomAD compares: African/African-American, 0.0013%; no homozygotes.

Submissions (12):

PreventionGenetics, part of Exact Sciences
Classification: Uncertain significance for RET-related condition. Last evaluated: 2026-08-24. Review status: criteria provided, single submitter. Criteria: ACMG Guidelines, 2015. Collection method: clinical testing. Allele origin: germline.
Comment: The RET c.3206G>C variant is predicted to result in the amino acid substitution p.Trp1069Ser. To our knowledge, this variant has not been reported in the literature in individuals with RET associated conditions. This variant is reported in 0.0026% of alleles in individuals of European (Non-Finnish) descent in gnomAD and has an interpretation of uncertain significance in ClinVar (Variation ID: 220521). At this time, the clinical significance of this variant is uncertain due to the absence of conclusive functional and genetic evidence.

Ambry Genetics
Classification: Uncertain significance for Hereditary cancer-predisposing syndrome. Last evaluated: 2025-12-10. Review status: criteria provided, single submitter. Criteria: Ambry Variant Classification Scheme 2023. Collection method: clinical testing. Allele origin: germline.
Comment: The p.W1069S variant (also known as c.3206G>C), located in coding exon 20 of the RET gene, results from a G to C substitution at nucleotide position 3206. The tryptophan at codon 1069 is replaced by serine, an amino acid with highly dissimilar properties. This amino acid position is highly conserved in available vertebrate species. In addition, this alteration is predicted to be deleterious by in silico analysis. Since supporting evidence is limited at this time, the clinical significance of this alteration remains unclear.

Color Diagnostics, LLC DBA Color Health
Classification: Uncertain significance for Multiple endocrine neoplasia, type 2. Last evaluated: 2025-11-06. Review status: criteria provided, single submitter. Criteria: ACMG Guidelines, 2015. Collection method: clinical testing. Allele origin: germline.
Comment: This missense variant replaces tryptophan with serine at codon 1069 of the RET protein. Computational prediction is inconclusive regarding the impact of this variant on protein structure and function. To our knowledge, functional studies have not been reported for this variant. This variant has been reported in an individual affected with melanoma (PMID: 29684080). This variant has been identified in 3/251482 chromosomes in the general population by the Genome Aggregation Database (gnomAD). The available evidence is insufficient to determine the role of this variant in disease conclusively. Therefore, this variant is classified as a Variant of Uncertain Significance.

Labcorp Genetics (formerly Invitae), Labcorp
Classification: Uncertain significance for Multiple endocrine neoplasia, type 2. Last evaluated: 2025-01-22. Review status: criteria provided, single submitter. Criteria: Invitae Variant Classification Sherloc (09022015). Collection method: clinical testing. Allele origin: germline.
Comment: This sequence change replaces tryptophan, which is neutral and slightly polar, with serine, which is neutral and polar, at codon 1069 of the RET protein (p.Trp1069Ser). This variant is present in population databases (rs776615468, gnomAD 0.002%). This variant has not been reported in the literature in individuals affected with RET-related conditions. ClinVar contains an entry for this variant (Variation ID: 220521). An algorithm developed to predict the effect of missense changes on protein structure and function (PolyPhen-2) suggests that this variant is likely to be disruptive. In summary, the available evidence is currently insufficient to determine the role of this variant in disease. Therefore, it has been classified as a Variant of Uncertain Significance.

Quest Diagnostics Nichols Institute San Juan Capistrano
Classification: Uncertain significance. Last evaluated: 2024-09-10. Review status: criteria provided, single submitter. Criteria: Quest Diagnostics criteria. Collection method: clinical testing. Allele origin: unknown.
Comment: The RET c.3206G>C (p.Trp1069Ser) variant has not been reported in individuals with RET-related conditions in the published literature. The frequency of this variant in the general population, 0.000026 (3/113756 chromosomes (Genome Aggregation Database)), is uninformative in the assessment of its pathogenicity. Analysis of this variant using bioinformatics tools for the prediction of the effect of amino acid changes on protein structure and function yielded predictions that this variant is damaging. Based on the available information, we are unable to determine the clinical significance of this variant.

All of Us Research Program, National Institutes of Health
Classification: Uncertain significance for Multiple endocrine neoplasia, type 2. Last evaluated: 2024-07-29. Review status: criteria provided, single submitter. Criteria: ACMG Guidelines, 2015. Collection method: clinical testing. Allele origin: germline. Inheritance: Autosomal dominant inheritance. Observed: 3 variant alleles, 3 heterozygotes.
Comment: This missense variant replaces tryptophan with serine at codon 1069 of the RET protein. Computational prediction is inconclusive regarding the impact of this variant on protein structure and function (internally defined REVEL score threshold 0.5 < inconclusive < 0.7, PMID: 27666373). To our knowledge, functional studies have not been reported for this variant. This variant has not been reported in individuals affected with hereditary cancer in the literature. This variant has been identified in 3/251482 chromosomes in the general population by the Genome Aggregation Database (gnomAD). The available evidence is insufficient to determine the role of this variant in disease conclusively. Therefore, this variant is classified as a Variant of Uncertain Significance.

This study involves interpretation of variants in research participants for the purpose of population health screening. Participant phenotype was not available at the time of variant classification. Additional details can be found in publication PMID: 35346344, PMCID: PMC8962531

Fulgent Genetics
Classification: Uncertain significance for Hirschsprung disease, susceptibility to, 1; Familial medullary thyroid carcinoma; Multiple endocrine neoplasia type 2B; Pheochromocytoma; Multiple endocrine neoplasia type 2A. Last evaluated: 2024-05-14. Review status: criteria provided, single submitter. Criteria: ACMG Guidelines, 2015. Collection method: clinical testing. Allele origin: germline.

GeneDx
Classification: Uncertain significance. Last evaluated: 2024-01-04. Review status: criteria provided, single submitter. Criteria: GeneDx Variant Classification Process June 2021. Collection method: clinical testing. Allele origin: germline. Affected: yes.
Comment: Not observed at significant frequency in large population cohorts (gnomAD); In silico analysis supports that this missense variant has a deleterious effect on protein structure/function; Observed in an individual with cutaneous melanoma (PMID: 29684080); This variant is associated with the following publications: (PMID: 14633923, 29684080)

Baylor Genetics
Classification: Uncertain significance for Hirschsprung disease, susceptibility to, 1. Last evaluated: 2023-09-13. Review status: criteria provided, single submitter. Criteria: ACMG Guidelines, 2015. Collection method: clinical testing. Allele origin: unknown.

St. Jude Molecular Pathology, St. Jude Children's Research Hospital
Classification: Uncertain significance for Multiple endocrine neoplasia, type 2. Last evaluated: 2021-12-09. Review status: criteria provided, single submitter. Criteria: St. Jude Assertion Criteria 2020. Collection method: clinical testing. Allele origin: germline.
Comment: The RET c.3206G>C (p.Trp1069Ser) missense change has a maximum subpopulation frequency of 0.0026% in gnomAD v2.1.1. Five of seven in silico tools predict a deleterious effect of this variant on protein function (PP3), but to our knowledge these predictions have not been confirmed by functional assays. To our knowledge, this variant has not been reported in the literature in individuals with multiple endocrine neoplasia type 2. In summary, this variant meets criteria to be classified as of uncertain significance based on the ACMG/AMP criteria: PP3.

Counsyl
Classification: Uncertain significance for Multiple endocrine neoplasia type 2B. Last evaluated: 2016-10-13. Review status: no assertion criteria provided. Collection method: clinical testing. Allele origin: unknown. Not counted in ClinVar's aggregate classification.

Counsyl
Classification: Uncertain significance for Multiple endocrine neoplasia type 2A. Last evaluated: 2016-10-13. Review status: no assertion criteria provided. Collection method: clinical testing. Allele origin: unknown. Not counted in ClinVar's aggregate classification.

Literature cited by the submitters: PubMed 29684080 (cited by Color Diagnostics, LLC DBA Color Health).